The following is an entry in ClinVar:

NM_017547.4(FOXRED1):c.406C>T (p.Arg136Trp)

Gene: FOXRED1 (FAD dependent oxidoreductase domain containing 1; plus strand). Cytogenetic location: 11q24.2.
Variant type: single nucleotide variant.
Coding change: c.406C>T on transcript NM_017547.4 (MANE Select); coding-DNA position 406, C replaced by T.
Protein change: p.Arg136Trp; replaces arginine 136 with tryptophan.
Molecular consequence: missense variant. On other transcripts: non-coding transcript variant (2).
Genome position (GRCh38, 1-based): chr11:126,273,068, C>T. VCF-style: chr11-126273068-C-T. GRCh37 (hg19) VCF-style: chr11-126142963-C-T.
Other names: short protein forms R136W.
Identifiers: ClinVar variation 372745 (VCV000372745.9), dbSNP rs373075574, ClinGen allele CA6354054.

ClinVar aggregate classification (germline): Conflicting classifications of pathogenicity. Review status: criteria provided, conflicting classifications (1 of 4 stars). 6 submissions from 6 submitters: Pathogenic (1); Likely pathogenic (4); Uncertain significance (1). Last evaluated 2025-10-02.

Conditions:
Mitochondrial complex I deficiency, nuclear type 19. Also called: Mitochondrial complex 1 deficiency, nuclear type 19. Identifiers: MedGen C4748791, MONDO:0032624, OMIM 618241.
Mitochondrial complex I deficiency. Also called: NADH:Q(1) OXIDOREDUCTASE DEFICIENCY. Identifiers: Orphanet 2609, MedGen C1838979, MeSH C537475, MONDO:0100133.

Allele frequency attached by ClinVar (database versions not stated): gnomAD 0.00001 and 0.00002; gnomAD exomes 0.00001 and 0.00002; TOPMed 0.00001; ExAC 0.00002; ESP Exome Variant Server 0.00008; 1000 Genomes Project 0.00040; 1000 Genomes Project 30x 0.00047.
gnomAD v4.1: 17 of 1,568,318 alleles (0.0011%); highest among the groups gnomAD compares: South Asian, 0.0044%; no homozygotes.

Submissions (6):

Labcorp Genetics (formerly Invitae), Labcorp
Classification: Uncertain significance. Last evaluated: 2025-10-02. Review status: criteria provided, single submitter. Criteria: Invitae Variant Classification Sherloc (09022015). Collection method: clinical testing. Allele origin: germline.
Comment: This sequence change replaces arginine, which is basic and polar, with tryptophan, which is neutral and slightly polar, at codon 136 of the FOXRED1 protein (p.Arg136Trp). This variant is present in population databases (rs373075574, gnomAD 0.01%). This missense change has been observed in individual(s) with mitochondrial complex I deficiency (PMID: 22200994). ClinVar contains an entry for this variant (Variation ID: 372745). Invitae Evidence Modeling of protein sequence and biophysical properties (such as structural, functional, and spatial information, amino acid conservation, physicochemical variation, residue mobility, and thermodynamic stability) has been performed for this missense variant. However, the output from this modeling did not meet the statistical confidence thresholds required to predict the impact of this variant on FOXRED1 protein function. Algorithms developed to predict the effect of sequence changes on RNA splicing suggest that this variant may disrupt the consensus splice site. In summary, the available evidence is currently insufficient to determine the role of this variant in disease. Therefore, it has been classified as a Variant of Uncertain Significance.

Fulgent Genetics
Classification: Likely pathogenic for Mitochondrial complex I deficiency, nuclear type 19. Last evaluated: 2024-03-20. Review status: criteria provided, single submitter. Criteria: ACMG Guidelines, 2015. Collection method: clinical testing. Allele origin: germline.

MGZ Medical Genetics Center
Classification: Likely pathogenic for Mitochondrial complex I deficiency, nuclear type 19. Last evaluated: 2022-04-20. Review status: criteria provided, single submitter. Criteria: ACMG Guidelines, 2015. Collection method: clinical testing. Allele origin: germline. Affected: yes. Observed: 1 variant allele.
Comment: ACMG criteria applied: PS4_MOD, PM3, PM2_SUP, PP3

Institute of Human Genetics Munich, TUM University Hospital
Classification: Pathogenic for Mitochondrial complex I deficiency, nuclear type 1. Last evaluated: 2017-11-15. Review status: criteria provided, single submitter. Criteria: Classification criteria August 2017. Collection method: clinical testing. Allele origin: inherited. Inheritance: Autosomal recessive inheritance. Affected: yes. Observed: 1 homozygote.

GeneDx
Classification: Likely pathogenic. Last evaluated: 2016-08-17. Review status: criteria provided, single submitter. Criteria: GeneDx Variant Classification (06012015). Collection method: clinical testing. Allele origin: germline. Affected: yes.
Comment: The R136W variant in the FOXRED1 gene has been reported previously in the compound heterozygous state, along with a frameshift variant, in one patient with mitochondrial complex I deficiency (Haack et al., 2012). The R136W variant was not observed at any significant frequency in approximately 6500 individuals of European and African American ancestry in the NHLBI Exome Sequencing Project, indicating it is not a common benign variant in these populations. The R136W variant is a non-conservative amino acid substitution, which is likely to impact secondary protein structure as these residues differ in polarity, charge, size and/or other properties. This substitution occurs at a position that is conserved across species. In silico analysis predicts this variant is probably damaging to the protein structure/function. We interpret R136W as a likely pathogenic variant.

Neuberg Centre For Genomic Medicine, NCGM
Classification: Likely pathogenic for Mitochondrial complex I deficiency, nuclear type 19. Review status: criteria provided, single submitter. Criteria: ACMG Guidelines, 2015. Collection method: clinical testing. Allele origin: germline. Inheritance: Autosomal recessive inheritance. Affected: yes.
Comment: The missense variant c.406C>T (p.Arg136Trp) in FOXRED1 gene has been reported previously in the compound heterozygous state, along with a frameshift variant, in one patient with mitochondrial complex I deficiency (Haack et al., 2012). This variant has been reported to the ClinVar database as Pathogenic. The p.Arg136Trp variant is novel (not in any individuals) in 1000 Genomes and allele frequency of 0.002388% is reported in gnomAD. The amino acid Arg at position 136 is changed to a Trp changing protein sequence and it might alter its composition and physico-chemical properties. The amino acid change p.Arg136Trp in FOXRED1 is predicted as conserved by GERP++ and PhyloP across 100 vertebrates. For these reasons, this variant has been classified as Likely Pathogenic.

Literature cited by the submitters: PubMed 22200994 (cited by Labcorp Genetics (formerly Invitae), Labcorp).